The following is an entry in ClinVar:

ClinVar aggregate classification (germline): Uncertain significance (1 of 4 stars; one submission).

Conditions:
Emery-Dreifuss muscular dystrophy 5, autosomal dominant (EDMD5). Also called: EMERY-DREIFUSS MUSCULAR DYSTROPHY 5. Identifiers: Orphanet 261, MedGen C2751805, MONDO:0013072, OMIM 612999.

gnomAD v4.1: 14 of 1,614,172 alleles (0.00087%); highest among the groups gnomAD compares: Non-Finnish European, 0.0012%; no homozygotes.

Submission:

Labcorp Genetics (formerly Invitae), Labcorp
Classification: Uncertain significance for Emery-Dreifuss muscular dystrophy 5, autosomal dominant. Last evaluated: 2026-01-12. Review status: criteria provided, single submitter. Criteria: Invitae Variant Classification Sherloc (09022015). Collection method: clinical testing. Allele origin: germline.
Comment: This sequence change replaces serine, which is neutral and polar, with cysteine, which is neutral and slightly polar, at codon 3587 of the SYNE2 protein (p.Ser3587Cys). This variant is present in population databases (no rsID available, gnomAD 0.003%). This variant has not been reported in the literature in individuals affected with SYNE2-related conditions. ClinVar contains an entry for this variant (Variation ID: 3626234). An algorithm developed to predict the effect of missense changes on protein structure and function (PolyPhen-2) suggests that this variant is likely to be disruptive. In summary, the available evidence is currently insufficient to determine the role of this variant in disease. Therefore, it has been classified as a Variant of Uncertain Significance.

NM_182914.3(SYNE2):c.10760C>G (p.Ser3587Cys)

Gene: SYNE2 (spectrin repeat containing nuclear envelope protein 2; plus strand). Cytogenetic location: 14q23.2.
Variant type: single nucleotide variant.
Coding change: c.10760C>G on transcript NM_182914.3 (MANE Select); coding-DNA position 10760, C replaced by G.
Protein change: p.Ser3587Cys; replaces serine 3587 with cysteine.
Molecular consequence: missense variant.
Genome position (GRCh38, 1-based): chr14:64,074,030, C>G. VCF-style: chr14-64074030-C-G. GRCh37 (hg19) VCF-style: chr14-64540748-C-G.
Other names: c.10760C>G, p.Ser3587Cys (NM_015180.6); short protein forms S3587C.
Identifiers: ClinVar variation 3626234 (VCV003626234.2).
Genomic context (GRCh38, chr14:64,074,030, plus strand): 5'-TTCTTCAGAAAGTTCAGAAAAATAAAGAATTGGTGCAGACTGAAATCCAAGAAAGACATT[C>G]CTTCACAAAAGAGATAATTGCTTTGAAGAATTTCTTTCAACAGACCACAACTTCATTCCA-3'
Protein context (NP_878918.2, residues 3577-3597): LVQTEIQERH[Ser3587Cys]FTKEIIALKN